The following is an entry in ClinVar:

NM_001256545.2(MEGF10):c.1722G>C (p.Glu574Asp)

Gene: MEGF10 (multiple EGF like domains 10; plus strand). Cytogenetic location: 5q23.2.
Variant type: single nucleotide variant.
Coding change: c.1722G>C on transcript NM_001256545.2 (MANE Select); coding-DNA position 1722, G replaced by C.
Protein change: p.Glu574Asp; replaces glutamic acid 574 with aspartic acid.
Molecular consequence: missense variant.
Genome position (GRCh38, 1-based): chr5:127,433,391, G>C. VCF-style: chr5-127433391-G-C. GRCh37 (hg19) VCF-style: chr5-126769083-G-C.
Other names: c.1722G>C, p.Glu574Asp (NM_032446.3); c.1722G>C (NM_032446.2); short protein forms E574D.
Identifiers: ClinVar variation 2165388 (VCV002165388.5), dbSNP rs1208632135, ClinGen allele CA360731429.

ClinVar aggregate classification (germline): Uncertain significance. Review status: criteria provided, multiple submitters, no conflicts (2 of 4 stars). 2 submissions from 2 submitters: Uncertain significance (2). Last evaluated 2024-08-01.

Conditions:
Inborn genetic diseases. Identifiers: MedGen C0950123, MeSH D030342.
MEGF10-related myopathy (CMYO10A). Also called: Congenital myopathy 10A, severe variant. Identifiers: Orphanet 439212, MedGen C3280679, MONDO:0013731, OMIM 614399.

Allele frequency attached by ClinVar (database versions not stated): gnomAD 0.00001; TOPMed 0.00001.
gnomAD v4.1: 17 of 1,614,048 alleles (0.0011%); highest among the groups gnomAD compares: Non-Finnish European, 0.0014%; no homozygotes.

Submissions (2):

Ambry Genetics
Classification: Uncertain significance for Inborn genetic diseases. Last evaluated: 2024-08-01. Review status: criteria provided, single submitter. Criteria: Ambry Variant Classification Scheme 2023. Collection method: clinical testing. Allele origin: germline.

Labcorp Genetics (formerly Invitae), Labcorp
Classification: Uncertain significance for MEGF10-related myopathy. Last evaluated: 2022-02-27. Review status: criteria provided, single submitter. Criteria: Invitae Variant Classification Sherloc (09022015). Collection method: clinical testing. Allele origin: germline.
Comment: In summary, the available evidence is currently insufficient to determine the role of this variant in disease. Therefore, it has been classified as a Variant of Uncertain Significance. Algorithms developed to predict the effect of missense changes on protein structure and function are either unavailable or do not agree on the potential impact of this missense change (SIFT: "Deleterious"; PolyPhen-2: "Benign"; Align-GVGD: "Class C35"). This variant has not been reported in the literature in individuals affected with MEGF10-related conditions. This variant is present in population databases (no rsID available, gnomAD 0.0009%). This sequence change replaces glutamic acid, which is acidic and polar, with aspartic acid, which is acidic and polar, at codon 574 of the MEGF10 protein (p.Glu574Asp).